The following is an entry in ClinVar:

NM_015512.5(DNAH1):c.143G>A (p.Gly48Glu)

Gene: DNAH1 (dynein axonemal heavy chain 1; plus strand). Cytogenetic location: 3p21.1.
Variant type: single nucleotide variant.
Coding change: c.143G>A on transcript NM_015512.5 (MANE Select); coding-DNA position 143, G replaced by A.
Protein change: p.Gly48Glu; replaces glycine 48 with glutamic acid.
Molecular consequence: missense variant.
Genome position (GRCh38, 1-based): chr3:52,322,585, G>A. VCF-style: chr3-52322585-G-A. GRCh37 (hg19) VCF-style: chr3-52356601-G-A.
Other names: short protein forms G48E.
Identifiers: ClinVar variation 2934062 (VCV002934062.3), dbSNP rs2471123641, ClinGen allele CA353084113.

ClinVar aggregate classification (germline): Uncertain significance (1 of 4 stars; one submission).

Conditions:
Spermatogenic failure 18. Identifiers: MedGen C4539783, MONDO:0054615, OMIM 617576.
Ciliary dyskinesia, primary, 37 (CILD37). Also called: CILIARY DYSKINESIA, PRIMARY, 37, WITH OR WITHOUT SITUS INVERSUS. Identifiers: MedGen C4539798, MONDO:0033204, OMIM 617577.

Allele frequency attached by ClinVar (database versions not stated): gnomAD exomes below 0.00001.
gnomAD v4.1: 2 of 1,613,846 alleles (0.00012%); highest among the groups gnomAD compares: Non-Finnish European, 0.00017%; no homozygotes.

Submission:

Labcorp Genetics (formerly Invitae), Labcorp
Classification: Uncertain significance for Ciliary dyskinesia, primary, 37; Spermatogenic failure 18. Last evaluated: 2023-07-08. Review status: criteria provided, single submitter. Criteria: Invitae Variant Classification Sherloc (09022015). Collection method: clinical testing. Allele origin: germline.
Comment: In summary, the available evidence is currently insufficient to determine the role of this variant in disease. Therefore, it has been classified as a Variant of Uncertain Significance. Algorithms developed to predict the effect of sequence changes on RNA splicing suggest that this variant may disrupt the consensus splice site. An algorithm developed to predict the effect of missense changes on protein structure and function (PolyPhen-2) suggests that this variant is likely to be tolerated. This variant has not been reported in the literature in individuals affected with DNAH1-related conditions. This variant is not present in population databases (gnomAD no frequency). This sequence change replaces glycine, which is neutral and non-polar, with glutamic acid, which is acidic and polar, at codon 48 of the DNAH1 protein (p.Gly48Glu).